The following is an entry in ClinVar:

NM_000044.6(AR):c.1460del (p.Pro487fs)

Gene: AR (androgen receptor; plus strand). Cytogenetic location: Xq12.
Variant type: Deletion.
Coding change: c.1460del on transcript NM_000044.6 (MANE Select); coding-DNA position 1460, one base deleted (C; older notation c.1460delC).
Protein change: p.Pro487fs; shifts the reading frame from proline 487.
Molecular consequence: frameshift variant. On other transcripts: 5 prime UTR variant (1).
Genome position (GRCh38, 1-based): chrX:67,546,606, C deleted; the last of 5 consecutive C bases (chrX:67,546,602-67,546,606); deleting any one gives the same sequence. VCF-style (leftmost placement, unchanged base first): chrX-67546601-GC-G. GRCh37 (hg19) VCF-style: chrX-66766443-GC-G.
Other names: c.-324del (NM_001011645.3); c.1460del, p.Pro487fs (NM_001348061.1, NM_001348063.1, NM_001348064.1); short protein forms P487fs.
Identifiers: ClinVar variation 942481 (VCV000942481.9), dbSNP rs1929773822, ClinGen allele CA1139667610.

ClinVar aggregate classification (germline): Pathogenic. Review status: criteria provided, multiple submitters, no conflicts (2 of 4 stars). 2 submissions from 2 submitters: Pathogenic (2). Last evaluated 2019-10-12.

Conditions:
Androgen resistance syndrome (AIS). Also called: ANDROGEN RECEPTOR DEFICIENCY; Androgen insensitivity syndrome; Androgen insensitivity, complete; Androgen insensitivity; DIHYDROTESTOSTERONE RECEPTOR DEFICIENCY; TESTICULAR FEMINIZATION SYNDROME. Identifiers: Orphanet 754, Orphanet 99429, MedGen C0039585, MONDO:0019154, OMIM 300068. Disease mechanism: loss of function.
Kennedy disease (SMAX1). Also called: SPINAL AND BULBAR MUSCULAR ATROPHY, X-LINKED 1; KENNEDY SPINAL AND BULBAR MUSCULAR ATROPHY; Spinal and Bulbar Muscular Atrophy. Identifiers: Orphanet 481, MedGen C1839259, MONDO:0010735, OMIM 313200.

Submissions (2):

Labcorp Genetics (formerly Invitae), Labcorp
Classification: Pathogenic for Kennedy disease; Androgen resistance syndrome. Last evaluated: 2019-10-12. Review status: criteria provided, single submitter. Criteria: Invitae Variant Classification Sherloc (09022015). Collection method: clinical testing. Allele origin: germline.
Comment: This sequence change creates a premature translational stop signal (p.Pro487Leufs*23) in the AR gene. It is expected to result in an absent or disrupted protein product. This variant is not present in population databases (ExAC no frequency). This variant has not been reported in the literature in individuals with AR-related conditions. Loss-of-function variants in AR are known to be pathogenic (PMID: 19463997). For these reasons, this variant has been classified as Pathogenic.

Clinical Genetics and Genomics, Karolinska University Hospital
Classification: Pathogenic. Last evaluated: 2016-06-10. Review status: criteria provided, single submitter. Criteria: ACMG Guidelines, 2015. Collection method: clinical testing. Allele origin: germline. Affected: yes. Observed: 1 variant allele.

Literature cited by the submitters: PubMed 19463997 (cited by Labcorp Genetics (formerly Invitae), Labcorp).